The following is an entry in ClinVar:

NM_000393.5(COL5A2):c.3309+107G>T

Gene: COL5A2 (collagen type V alpha 2 chain; minus strand). Cytogenetic location: 2q32.2.
Variant type: single nucleotide variant.
Coding change: c.3309+107G>T on transcript NM_000393.5 (MANE Select); 107 bases into the intron after coding-DNA position 3309, G replaced by T.
Molecular consequence: intron variant.
Genome position (GRCh38, 1-based): chr2:189,045,693, C>A on the plus strand (G>T on the coding strand, the complement: COL5A2 is on the minus strand). VCF-style: chr2-189045693-C-A. GRCh37 (hg19) VCF-style: chr2-189910419-C-A.
Identifiers: ClinVar variation 674018 (VCV000674018.2), dbSNP rs117588489, ClinGen allele CA62589860.

ClinVar aggregate classification (germline): Likely benign. Review status: criteria provided, multiple submitters, no conflicts (2 of 4 stars). 2 submissions from 2 submitters: Likely benign (2). Last evaluated 2018-06-14.

Allele frequency attached by ClinVar (database versions not stated): gnomAD 0.01202 and 0.01511; TOPMed 0.01574; 1000 Genomes Project 0.04273; 1000 Genomes Project 30x 0.04325.
gnomAD v4.1: 13,742 of 872,352 alleles (1.6%); highest among the groups gnomAD compares: South Asian, 8.3%; 491 homozygotes.

Submissions (2):

GeneDx
Classification: Likely benign. Last evaluated: 2018-06-14. Review status: criteria provided, single submitter. Criteria: GeneDx Variant Classification (06012015). Collection method: clinical testing. Allele origin: germline. Affected: yes.
Comment: This variant is considered likely benign or benign based on one or more of the following criteria: it is a conservative change, it occurs at a poorly conserved position in the protein, it is predicted to be benign by multiple in silico algorithms, and/or has population frequency not consistent with disease.

Breakthrough Genomics
Classification: Likely benign. Review status: criteria provided, single submitter. Criteria: ACMG Guidelines, 2015. Collection method: not provided. Allele origin: germline. Inheritance: Autosomal dominant inheritance. Affected: yes.